The following is an entry in ClinVar:

NM_031935.3(HMCN1):c.6581C>T (p.Pro2194Leu)

Gene: HMCN1 (hemicentin 1; plus strand). Cytogenetic location: 1q31.1.
Variant type: single nucleotide variant.
Coding change: c.6581C>T on transcript NM_031935.3 (MANE Select); coding-DNA position 6581, C replaced by T.
Protein change: p.Pro2194Leu; replaces proline 2194 with leucine.
Molecular consequence: missense variant.
Genome position (GRCh38, 1-based): chr1:186,052,955, C>T. VCF-style: chr1-186052955-C-T. GRCh37 (hg19) VCF-style: chr1-186022087-C-T.
Other names: short protein forms P2194L.
Identifiers: ClinVar variation 1969368 (VCV001969368.5), dbSNP rs750804567, ClinGen allele CA1292619.
Genomic context (GRCh38, chr1:186,052,955, plus strand): 5'-TGTTATGAGAATTCTATATGAAATGAGTGGAAAAATCATATTTTTATTTTTTTCTAGTCC[C>T]CCCAAATATTGGTGGTTCTGATGAACTTACTCAACTTACAGTCATTGAAGGGAATCTCAT-3'
Protein context (NP_114141.2, residues 2184-2204): EKNYNVNIWV[Pro2194Leu]PNIGGSDELT

ClinVar aggregate classification (germline): Uncertain significance (1 of 4 stars; one submission).

Allele frequency attached by ClinVar (database versions not stated): gnomAD exomes 0.00001; ExAC 0.00002.
gnomAD v4.1: 7 of 1,601,916 alleles (0.00044%); highest among the groups gnomAD compares: Non-Finnish European, 0.00026%; no homozygotes.

Submission:

Labcorp Genetics (formerly Invitae), Labcorp
Classification: Uncertain significance. Last evaluated: 2022-10-24. Review status: criteria provided, single submitter. Criteria: Invitae Variant Classification Sherloc (09022015). Collection method: clinical testing. Allele origin: germline.
Comment: In summary, the available evidence is currently insufficient to determine the role of this variant in disease. Therefore, it has been classified as a Variant of Uncertain Significance. This sequence change replaces proline, which is neutral and non-polar, with leucine, which is neutral and non-polar, at codon 2194 of the HMCN1 protein (p.Pro2194Leu). This variant is present in population databases (rs750804567, gnomAD 0.009%). This variant has not been reported in the literature in individuals affected with HMCN1-related conditions. Algorithms developed to predict the effect of missense changes on protein structure and function (SIFT, PolyPhen-2, Align-GVGD) all suggest that this variant is likely to be disruptive.